The following is an entry in ClinVar:

NM_004655.4(AXIN2):c.2297T>C (p.Val766Ala)

Gene: AXIN2 (axin 2; minus strand). Cytogenetic location: 17q24.1.
Variant type: single nucleotide variant.
Coding change: c.2297T>C on transcript NM_004655.4 (MANE Select); coding-DNA position 2297, T replaced by C.
Protein change: p.Val766Ala; replaces valine 766 with alanine.
Molecular consequence: missense variant.
Genome position (GRCh38, 1-based): chr17:65,534,020, A>G on the plus strand (T>C on the coding strand, the complement: AXIN2 is on the minus strand). VCF-style: chr17-65534020-A-G. GRCh37 (hg19) VCF-style: chr17-63530138-A-G.
Other names: c.2102T>C, p.Val701Ala (NM_001363813.1); short protein forms V701A, V766A.
Identifiers: ClinVar variation 1789190 (VCV001789190.2), dbSNP rs2509389643, ClinGen allele CA400675562.

ClinVar aggregate classification (germline): Uncertain significance (1 of 4 stars; one submission).

Conditions:
Hereditary cancer-predisposing syndrome. Also called: Hereditary Cancer Syndrome; Hereditary neoplastic syndrome; Tumor predisposition; Neoplastic Syndromes, Hereditary. Identifiers: Orphanet 140162, MedGen C0027672, MeSH D009386, MONDO:0015356.

Submission:

Ambry Genetics
Classification: Uncertain significance for Hereditary cancer-predisposing syndrome. Last evaluated: 2021-01-05. Review status: criteria provided, single submitter. Criteria: Ambry Variant Classification Scheme 2023. Collection method: clinical testing. Allele origin: germline.
Comment: The p.V766A variant (also known as c.2297T>C), located in coding exon 9 of the AXIN2 gene, results from a T to C substitution at nucleotide position 2297. The valine at codon 766 is replaced by alanine, an amino acid with similar properties. This amino acid position is highly conserved in available vertebrate species. In addition, this alteration is predicted to be deleterious by in silico analysis. Since supporting evidence is limited at this time, the clinical significance of this alteration remains unclear.